The following is an entry in ClinVar:

ClinVar aggregate classification (germline): Uncertain significance. Review status: criteria provided, multiple submitters, no conflicts (2 of 4 stars). 2 submissions from 2 submitters: Uncertain significance (2). Last evaluated 2023-06-21.

Allele frequency attached by ClinVar (database versions not stated): gnomAD exomes 0.00002; TOPMed 0.00003.
gnomAD v4.1: 31 of 1,614,024 alleles (0.0019%); highest among the groups gnomAD compares: Non-Finnish European, 0.0022%; no homozygotes.

Submissions (2):

Blueprint Genetics
Classification: Uncertain significance. Last evaluated: 2023-06-21. Review status: criteria provided, single submitter. Criteria: ACMG Guidelines, 2015. Collection method: clinical testing. Allele origin: germline.

Labcorp Genetics (formerly Invitae), Labcorp
Classification: Uncertain significance. Last evaluated: 2022-03-10. Review status: criteria provided, single submitter. Criteria: Invitae Variant Classification Sherloc (09022015). Collection method: clinical testing. Allele origin: germline.
Comment: This variant is present in population databases (no rsID available, gnomAD 0.004%). This sequence change replaces serine, which is neutral and polar, with glycine, which is neutral and non-polar, at codon 787 of the ADAMTS18 protein (p.Ser787Gly). This variant has not been reported in the literature in individuals affected with ADAMTS18-related conditions. In summary, the available evidence is currently insufficient to determine the role of this variant in disease. Therefore, it has been classified as a Variant of Uncertain Significance. Algorithms developed to predict the effect of missense changes on protein structure and function are either unavailable or do not agree on the potential impact of this missense change (SIFT: "Not Available"; PolyPhen-2: "Benign"; Align-GVGD: "Not Available").

NM_199355.4(ADAMTS18):c.2359A>G (p.Ser787Gly)

Gene: ADAMTS18 (ADAM metallopeptidase with thrombospondin type 1 motif 18; minus strand). Cytogenetic location: 16q23.1.
Variant type: single nucleotide variant.
Coding change: c.2359A>G on transcript NM_199355.4 (MANE Select); coding-DNA position 2359, A replaced by G.
Protein change: p.Ser787Gly; replaces serine 787 with glycine.
Molecular consequence: missense variant.
Genome position (GRCh38, 1-based): chr16:77,320,022, T>C on the plus strand (A>G on the coding strand, the complement: ADAMTS18 is on the minus strand). VCF-style: chr16-77320022-T-C. GRCh37 (hg19) VCF-style: chr16-77353919-T-C.
Other names: c.1843A>G, p.Ser615Gly (NM_001326358.2); short protein forms S787G, S615G.
Identifiers: ClinVar variation 1499212 (VCV001499212.7), dbSNP rs993762554, ClinGen allele CA284390363.